The following is an entry in ClinVar:

NM_206933.4(USH2A):c.11089A>G (p.Thr3697Ala)

Gene: USH2A (usherin; minus strand). Cytogenetic location: 1q41.
Variant type: single nucleotide variant.
Coding change: c.11089A>G on transcript NM_206933.4 (MANE Select); coding-DNA position 11089, A replaced by G.
Protein change: p.Thr3697Ala; replaces threonine 3697 with alanine.
Molecular consequence: missense variant.
Genome position (GRCh38, 1-based): chr1:215,759,802, T>C on the plus strand (A>G on the coding strand, the complement: USH2A is on the minus strand). VCF-style: chr1-215759802-T-C. GRCh37 (hg19) VCF-style: chr1-215933144-T-C.
Other names: c.11089A>G (NM_206933.2); short protein forms T3697A.
Identifiers: ClinVar variation 1435853 (VCV001435853.7), dbSNP rs765454203, ClinGen allele CA1393815.
Genomic context (GRCh38, chr1:215,759,802, plus strand): 5'-ATTGATATTGAGAAACGAGGCCATTGGGCTTTTCTGGCAGACTCCAATATAATTCCACTG[T>C]TGTAGAATTGATGATAATGTGTCGAGGTGTCACCCAAACTCCTGGCAAGAATAACGCAAT-3'
Protein context (NP_996816.3, residues 3687-3707): TPRHIIINST[Thr3697Ala]VELYWSLPEK

ClinVar aggregate classification (germline): Uncertain significance. Review status: criteria provided, multiple submitters, no conflicts (2 of 4 stars). 4 submissions from 3 submitters: Uncertain significance (4). Last evaluated 2024-07-17.

Conditions:
Inborn genetic diseases. Identifiers: MedGen C0950123, MeSH D030342.
Retinitis pigmentosa 39 (RP39). Identifiers: Orphanet 791, MedGen C3151138, MONDO:0013436, OMIM 613809.
Usher syndrome type 2A. Also called: USHER SYNDROME, TYPE IIA; RETINAL DISEASE IN USHER SYNDROME TYPE IIA, MODIFIER OF. Identifiers: Orphanet 231178, Orphanet 886, MedGen C1848634, MONDO:0010169, OMIM 276901.

Allele frequency attached by ClinVar (database versions not stated): TOPMed below 0.00001; ExAC 0.00001; gnomAD 0.00001 and 0.00002; gnomAD exomes 0.00001.
gnomAD v4.1: 23 of 1,613,888 alleles (0.0014%); highest among the groups gnomAD compares: Admixed American, 0.0017%; no homozygotes.

Submissions (4):

Ambry Genetics
Classification: Uncertain significance for Inborn genetic diseases. Last evaluated: 2024-07-17. Review status: criteria provided, single submitter. Criteria: Ambry Variant Classification Scheme 2023. Collection method: clinical testing. Allele origin: germline.

Genome-Nilou Lab
Classification: Uncertain significance for Retinitis pigmentosa 39. Last evaluated: 2023-11-04. Review status: criteria provided, single submitter. Criteria: ACMG Guidelines, 2015. Collection method: clinical testing. Allele origin: germline. Affected: no.

Genome-Nilou Lab
Classification: Uncertain significance for Usher syndrome type 2A. Last evaluated: 2023-11-04. Review status: criteria provided, single submitter. Criteria: ACMG Guidelines, 2015. Collection method: clinical testing. Allele origin: germline. Affected: no.

Labcorp Genetics (formerly Invitae), Labcorp
Classification: Uncertain significance. Last evaluated: 2022-03-10. Review status: criteria provided, single submitter. Criteria: Invitae Variant Classification Sherloc (09022015). Collection method: clinical testing. Allele origin: germline.
Comment: This sequence change replaces threonine, which is neutral and polar, with alanine, which is neutral and non-polar, at codon 3697 of the USH2A protein (p.Thr3697Ala). This variant is present in population databases (rs765454203, gnomAD 0.004%). This variant has not been reported in the literature in individuals affected with USH2A-related conditions. Algorithms developed to predict the effect of missense changes on protein structure and function output the following: SIFT: "Tolerated"; PolyPhen-2: "Benign"; Align-GVGD: "Class C0". The alanine amino acid residue is found in multiple mammalian species, which suggests that this missense change does not adversely affect protein function. Algorithms developed to predict the effect of sequence changes on RNA splicing suggest that this variant may create or strengthen a splice site. In summary, the available evidence is currently insufficient to determine the role of this variant in disease. Therefore, it has been classified as a Variant of Uncertain Significance.